The following is an entry in ClinVar:

NM_005633.4(SOS1):c.1246C>A (p.Gln416Lys)

Gene: SOS1 (SOS Ras/Rac guanine nucleotide exchange factor 1; minus strand). Cytogenetic location: 2p22.1.
Variant type: single nucleotide variant.
Coding change: c.1246C>A on transcript NM_005633.4 (MANE Select); coding-DNA position 1246, C replaced by A.
Protein change: p.Gln416Lys; replaces glutamine 416 with lysine.
Molecular consequence: missense variant.
Genome position (GRCh38, 1-based): chr2:39,023,182, G>T on the plus strand (C>A on the coding strand, the complement: SOS1 is on the minus strand). VCF-style: chr2-39023182-G-T. GRCh37 (hg19) VCF-style: chr2-39250323-G-T.
Other names: c.1225C>A, p.Gln409Lys (NM_001382394.1); c.1246C>A, p.Gln416Lys (NM_001382395.1); short protein forms Q409K, Q416K.
Identifiers: ClinVar variation 4814107 (VCV004814107.1).

ClinVar aggregate classification (germline): Uncertain significance (1 of 4 stars; one submission).

Conditions:
Noonan syndrome 4 (NS4). Also called: SOS1-Related Noonan Syndrome; NOONAN SYNDROME WITH PIGMENTED VILLONODULAR SYNOVITIS. Identifiers: Orphanet 648, MedGen C1853120, MONDO:0012547, OMIM 610733.

Submission:

OLLIN Analises Genomicas, OLLIN
Classification: Uncertain significance for Noonan syndrome 4. Last evaluated: 2026-02-13. Review status: criteria provided, single submitter. Criteria: ACMG Guidelines 2015 PMID 25741868. Collection method: clinical testing. Allele origin: germline. Observed: 1 variant allele.
Comment: PM2_P